The following is an entry in ClinVar:

NM_000127.3(EXT1):c.345dup (p.Val116fs)

Gene: EXT1 (exostosin glycosyltransferase 1; minus strand). Cytogenetic location: 8q24.11.
Variant type: Duplication.
Coding change: c.345dup on transcript NM_000127.3 (MANE Select); coding-DNA position 345, one base duplicated (A; older notation c.345dupA).
Protein change: p.Val116fs; shifts the reading frame from valine 116.
Molecular consequence: frameshift variant.
Genome position (GRCh38, 1-based): chr8:118,110,702, T duplicated on the plus strand (A on the coding strand, the reverse complement: EXT1 is on the minus strand); the first of 3 consecutive T bases (chr8:118,110,702-118,110,704); duplicating any one gives the same sequence. VCF-style (leftmost placement, unchanged base first): chr8-118110701-C-CT. GRCh37 (hg19) VCF-style: chr8-119122940-C-CT.
Other names: short protein forms V116fs.
Identifiers: ClinVar variation 2863586 (VCV002863586.3), dbSNP rs2488052516, ClinGen allele CA2739268964.

ClinVar aggregate classification (germline): Pathogenic (1 of 4 stars; one submission).

Conditions:
Multiple congenital exostosis (EXT). Also called: Hereditary multiple osteochondromas; Multiple exostoses; Multiple osteochondromas; Hereditary multiple exostoses; Hereditary multiple exostosis; MULTIPLE CARTILAGINOUS EXOSTOSES. Identifiers: Orphanet 321, MedGen C0015306, MONDO:0005508, HP:0002762.

Submission:

Labcorp Genetics (formerly Invitae), Labcorp
Classification: Pathogenic for Multiple congenital exostosis. Last evaluated: 2023-05-12. Review status: criteria provided, single submitter. Criteria: Invitae Variant Classification Sherloc (09022015). Collection method: clinical testing. Allele origin: germline.
Comment: For these reasons, this variant has been classified as Pathogenic. This variant has not been reported in the literature in individuals affected with EXT1-related conditions. This variant is not present in population databases (gnomAD no frequency). This sequence change creates a premature translational stop signal (p.Val116Serfs*73) in the EXT1 gene. It is expected to result in an absent or disrupted protein product. Loss-of-function variants in EXT1 are known to be pathogenic (PMID: 10679937, 11391482, 19810120).

Literature cited by the submitters: PubMed 10679937; PubMed 11391482; PubMed 19810120.